The following is an entry in ClinVar:

ClinVar aggregate classification (germline): Conflicting classifications of pathogenicity. Review status: criteria provided, conflicting classifications (1 of 4 stars). 4 submissions from 4 submitters: Likely pathogenic (2); Uncertain significance (2). Last evaluated 2025-09-01.

Conditions:
Hyperlipoproteinemia, type I. Also called: Lipase D deficiency; Familial Lipoprotein Lipase Deficiency; HYPERLIPOPROTEINEMIA, TYPE IA; LPL DEFICIENCY; Familial hyperlipo-proteinemia type 1; Hyperlipemia essential familial. Identifiers: Orphanet 309015, Orphanet 444490, MedGen C0023817, MONDO:0009387, OMIM 238600. Disease mechanism: loss of function.
LPL-related disorder. Also called: LPL-related condition.

gnomAD v4.1: 2 of 1,614,190 alleles (0.00012%); highest among the groups gnomAD compares: Non-Finnish European, 0.000085%; no homozygotes.

Submissions (4):

Labcorp Genetics (formerly Invitae), Labcorp
Classification: Uncertain significance. Last evaluated: 2025-09-01. Review status: criteria provided, single submitter. Criteria: Invitae Variant Classification Sherloc (09022015). Collection method: clinical testing. Allele origin: germline.
Comment: This sequence change replaces valine, which is neutral and non-polar, with glycine, which is neutral and non-polar, at codon 227 of the LPL protein (p.Val227Gly). This variant is not present in population databases (gnomAD no frequency). This missense change has been observed in individual(s) with clinical features of LPL-related conditions (PMID: 24788417, 29153744). ClinVar contains an entry for this variant (Variation ID: 1405688). Invitae Evidence Modeling of protein sequence and biophysical properties (such as structural, functional, and spatial information, amino acid conservation, physicochemical variation, residue mobility, and thermodynamic stability) indicates that this missense variant is expected to disrupt LPL protein function with a positive predictive value of 80%. Algorithms developed to predict the effect of sequence changes on RNA splicing suggest that this variant may create or strengthen a splice site. In summary, the available evidence is currently insufficient to determine the role of this variant in disease. Therefore, it has been classified as a Variant of Uncertain Significance.

CeGaT Center for Human Genetics Tuebingen
Classification: Likely pathogenic. Last evaluated: 2025-08-01. Review status: criteria provided, single submitter. Criteria: CeGaT Center For Human Genetics Tuebingen Variant Classification Criteria Version 2. Collection method: clinical testing. Allele origin: germline. Affected: yes. Observed: 1 variant allele.
Comment: LPL: PM2, PM3, PM5, PP4

Natera, Inc.
Classification: Likely pathogenic for Lipoprotein lipase deficiency. Last evaluated: 2025-06-30. Review status: criteria provided, single submitter. Criteria: Natera Variant Classification Schema (03/2026). Collection method: clinical testing. Allele origin: germline.
Comment: The c.680T>G variant in LPL is a missense variant predicted to cause substitution of valine to glycine at amino acid 227. This variant is rare in the general population with a frequency below the threshold expected for the associated phenotype(s). This variant has been observed in one or more individuals affected with the associated recessive disease, as either homozygous or compound heterozygous with a second variant (PMID: 29153744, 39873189). This variant has been observed to segregate in affected family members (PMID: 39873189). A different variant at the same position has been determined to be Pathogenic or Likely Pathogenic. Computational prediction algorithms indicate this variant is likely to affect gene or protein function. Given the available evidence, this variant is classified as Likely Pathogenic.

PreventionGenetics, part of Exact Sciences
Classification: Uncertain significance for LPL-related condition. Last evaluated: 2025-06-09. Review status: criteria provided, single submitter. Criteria: ACMG Guidelines, 2015. Collection method: clinical testing. Allele origin: germline.
Comment: The LPL c.680T>G variant is predicted to result in the amino acid substitution p.Val227Gly. This variant is alternatively referred to as p.Val200Gly using legacy nomenclature, has been reported in the homozygous state in an individual with hyperchylomicronemia (Teramoto et al. 2017. PubMed ID: 29153744). This variant has also been reported in the compound heterozygous state in a hypertriglyceridemic individual with type V dyslipidemia (Table S2, Di Filippo et al. 2014. PubMed ID: 24788417). Different missense substitutions at this codon (p.Val227Phe; p.Val227Ala) have been observed in individuals with LPL related disorders (Maruyama et al. 2004. PubMed ID: 15256764; Caddeo et al. 2018. PubMed ID: 29288010) suggesting that substitution of amino acid residue p.Val227 is not tolerated. This variant has not been reported in a large population database, indicating this variant is rare. Although we suspect that this variant may be pathogenic, at this time, the clinical significance of this variant is uncertain due to the absence of conclusive functional and genetic evidence.

Literature cited by the submitters: PubMed 24788417 (cited by Labcorp Genetics (formerly Invitae), Labcorp); PubMed 29153744 (cited by Labcorp Genetics (formerly Invitae), Labcorp and Natera, Inc.); PubMed 39873189 (cited by Natera, Inc.).

NM_000237.3(LPL):c.680T>G (p.Val227Gly)

Gene: LPL (lipoprotein lipase; plus strand). Cytogenetic location: 8p21.3.
Variant type: single nucleotide variant.
Coding change: c.680T>G on transcript NM_000237.3 (MANE Select); coding-DNA position 680, T replaced by G.
Protein change: p.Val227Gly; replaces valine 227 with glycine.
Molecular consequence: missense variant.
Genome position (GRCh38, 1-based): chr8:19,954,258, T>G. VCF-style: chr8-19954258-T-G. GRCh37 (hg19) VCF-style: chr8-19811769-T-G.
Other names: c.680T>G (NM_000237.2); short protein forms V227G.
Identifiers: ClinVar variation 1405688 (VCV001405688.14), dbSNP rs528243561, ClinGen allele CA370468540.